The following is an entry in ClinVar:

NM_000051.4(ATM):c.497-3809A>G

Gene: ATM (ATM serine/threonine kinase; plus strand). Cytogenetic location: 11q22.3.
Variant type: single nucleotide variant.
Coding change: c.497-3809A>G on transcript NM_000051.4 (MANE Select); 3809 bases into the intron before coding-DNA position 497, A replaced by G.
Molecular consequence: intron variant.
Genome position (GRCh38, 1-based): chr11:108,240,144, A>G. VCF-style: chr11-108240144-A-G. GRCh37 (hg19) VCF-style: chr11-108110871-A-G.
Other names: c.497-3809A>G (NM_001351834.2).
Identifiers: ClinVar variation 3131075 (VCV003131075.2), dbSNP rs2079484155, ClinGen allele CA1998769324.

ClinVar aggregate classification (germline): Uncertain significance (1 of 4 stars; one submission).

Conditions:
Hereditary cancer-predisposing syndrome. Also called: Neoplastic Syndromes, Hereditary; Tumor predisposition; Hereditary neoplastic syndrome; Hereditary Cancer Syndrome. Identifiers: Orphanet 140162, MedGen C0027672, MeSH D009386, MONDO:0015356.

Submission:

Ambry Genetics
Classification: Uncertain significance for Hereditary cancer-predisposing syndrome. Last evaluated: 2024-12-27. Review status: criteria provided, single submitter. Criteria: Ambry Variant Classification Scheme 2023. Collection method: clinical testing. Allele origin: germline.
Comment: The c.497-3809A>G intronic alteration consists of a A to G substitution 3809 nucleotides before coding exon 5 in the ATM gene. Based on insufficient or conflicting evidence, the clinical significance of this alteration remains unclear.